The following is an entry in ClinVar:

NM_017849.4(TMEM127):c.118T>C (p.Ser40Pro)

Genes: TMEM127 (transmembrane protein 127; minus strand), LOC129934333 (ATAC-STARR-seq lymphoblastoid silent region 11759; plus strand). Cytogenetic location: 2q11.2.
Variant type: single nucleotide variant.
Coding change: c.118T>C on transcript NM_017849.4 (MANE Select); coding-DNA position 118, T replaced by C.
Protein change: p.Ser40Pro; replaces serine 40 with proline.
Molecular consequence: missense variant.
Genome position (GRCh38, 1-based): chr2:96,265,264, A>G on the plus strand (T>C on the coding strand, the complement: TMEM127 is on the minus strand). VCF-style: chr2-96265264-A-G. GRCh37 (hg19) VCF-style: chr2-96931002-A-G.
Other names: c.118T>C, p.Ser40Pro (NM_001193304.3); short protein forms S40P.
Identifiers: ClinVar variation 1940243 (VCV001940243.5), dbSNP rs2467285710, ClinGen allele CA347656080.

ClinVar aggregate classification (germline): Uncertain significance (1 of 4 stars; one submission).

Conditions:
Hereditary pheochromocytoma and paraganglioma. Also called: Hereditary paragangliomas and pheochromocytomas; Hereditary Paraganglioma-Pheochromocytoma Syndromes; Hereditary pheochromocytoma-paraganglioma. Identifiers: Orphanet 29072, MedGen C4274332, MONDO:0017366.

Submission:

Labcorp Genetics (formerly Invitae), Labcorp
Classification: Uncertain significance for Hereditary pheochromocytoma and paraganglioma. Last evaluated: 2025-02-10. Review status: criteria provided, single submitter. Criteria: Invitae Variant Classification Sherloc (09022015). Collection method: clinical testing. Allele origin: germline.
Comment: This sequence change replaces serine, which is neutral and polar, with proline, which is neutral and non-polar, at codon 40 of the TMEM127 protein (p.Ser40Pro). This variant is not present in population databases (gnomAD no frequency). This variant has not been reported in the literature in individuals affected with TMEM127-related conditions. ClinVar contains an entry for this variant (Variation ID: 1940243). An algorithm developed to predict the effect of missense changes on protein structure and function (PolyPhen-2) suggests that this variant is likely to be tolerated. In summary, the available evidence is currently insufficient to determine the role of this variant in disease. Therefore, it has been classified as a Variant of Uncertain Significance.